The following is an entry in ClinVar:

NM_000312.4(PROC):c.1142T>C (p.Val381Ala)

Gene: PROC (protein C, inactivator of coagulation factors Va and VIIIa; plus strand). Cytogenetic location: 2q14.3.
Variant type: single nucleotide variant.
Coding change: c.1142T>C on transcript NM_000312.4 (MANE Select); coding-DNA position 1142, T replaced by C.
Protein change: p.Val381Ala; replaces valine 381 with alanine.
Molecular consequence: missense variant.
Genome position (GRCh38, 1-based): chr2:127,428,702, T>C. VCF-style: chr2-127428702-T-C. GRCh37 (hg19) VCF-style: chr2-128186278-T-C.
Other names: c.1325T>C, p.Val442Ala (NM_001375602.1); c.1307T>C, p.Val436Ala (NM_001375603.1); c.1205T>C, p.Val402Ala (NM_001375604.1); c.1244T>C, p.Val415Ala (NM_001375605.1); c.1310T>C, p.Val437Ala (NM_001375606.1); c.1328T>C, p.Val443Ala (NM_001375607.1); c.1085T>C, p.Val362Ala (NM_001375608.1); c.1118T>C, p.Val373Ala (NM_001375609.1); and 2 more; short protein forms V415A, V373A, V381A, V402A, V443A, V362A, V437A, V379A.
Identifiers: ClinVar variation 2734267 (VCV002734267.3), dbSNP rs2468378721, ClinGen allele CA348405979.

ClinVar aggregate classification (germline): Uncertain significance (1 of 4 stars; one submission).

Conditions:
Thrombophilia due to protein C deficiency, autosomal dominant. Also called: PROC DEFICIENCY, AUTOSOMAL DOMINANT; PROTEIN C DEFICIENCY, AUTOSOMAL DOMINANT. Identifiers: Orphanet 745, MedGen C2674321, MONDO:0008316, OMIM 176860. Disease mechanism: loss of function.

Allele frequency attached by ClinVar (database versions not stated): gnomAD exomes below 0.00001.

Submission:

Labcorp Genetics (formerly Invitae), Labcorp
Classification: Uncertain significance for Thrombophilia due to protein C deficiency, autosomal dominant. Last evaluated: 2023-12-28. Review status: criteria provided, single submitter. Criteria: Invitae Variant Classification Sherloc (09022015). Collection method: clinical testing. Allele origin: germline.
Comment: This sequence change replaces valine, which is neutral and non-polar, with alanine, which is neutral and non-polar, at codon 381 of the PROC protein (p.Val381Ala). This variant is not present in population databases (gnomAD no frequency). This missense change has been observed in individual(s) with protein C deficiency disease (PMID: 11336399). This variant is also known as V339A. Advanced modeling of protein sequence and biophysical properties (such as structural, functional, and spatial information, amino acid conservation, physicochemical variation, residue mobility, and thermodynamic stability) performed at Invitae indicates that this missense variant is expected to disrupt PROC protein function with a positive predictive value of 80%. In summary, the available evidence is currently insufficient to determine the role of this variant in disease. Therefore, it has been classified as a Variant of Uncertain Significance.

Literature cited by the submitters: PubMed 11336399.